The following is an entry in ClinVar:

NC_000011.9:g.(?_111779488)_(111782448_?)del

Gene: CRYAB (crystallin alpha B; minus strand). Cytogenetic location: 11q23.1.
Variant type: Deletion.
Identifiers: ClinVar variation 2424297 (VCV002424297.3).

ClinVar aggregate classification (germline): Pathogenic (1 of 4 stars; one submission).

Conditions:
Dilated cardiomyopathy 1II (CMD1II). Identifiers: Orphanet 154, MedGen C3554649, MONDO:0014073, OMIM 615184.

Submission:

Labcorp Genetics (formerly Invitae), Labcorp
Classification: Pathogenic for Dilated cardiomyopathy 1II. Last evaluated: 2021-12-18. Review status: criteria provided, single submitter. Criteria: Invitae Variant Classification Sherloc (09022015). Collection method: clinical testing. Allele origin: germline.
Comment: A gross deletion of the genomic region encompassing the full coding sequence of the CRYAB gene has been identified. Loss-of-function variants in CRYAB are known to be pathogenic (PMID: 21337604). The boundaries of this event are unknown as they extend beyond the assayed region for this gene and therefore may encompass additional genes. This variant has not been reported in the literature in individuals affected with CRYAB-related conditions. For these reasons, this variant has been classified as Pathogenic.

Literature cited by the submitters: PubMed 21337604.